The following is an entry in ClinVar:

ClinVar aggregate classification (germline): Conflicting classifications of pathogenicity. Review status: criteria provided, conflicting classifications (1 of 4 stars). 6 submissions from 6 submitters: Uncertain significance (1); Likely benign (5). Last evaluated 2026-02-02.

Conditions:
Autosomal recessive spinocerebellar ataxia 12. Also called: SPINOCEREBELLAR ATAXIA WITH MENTAL RETARDATION AND EPILEPSY. Identifiers: Orphanet 284282, MedGen C3280452, MONDO:0013687, OMIM 614322.
Developmental and epileptic encephalopathy, 1 (DEE1). Also called: Epileptic encephalopathy, early infantile, 1; X-linked infantile spasms; West's syndrome; Tonic spasms with clustering, arrest of psychomotor development and hypsarrhythmia on EEG; X-Linked Infantile Spasm Syndrome; OHTAHARA SYNDROME, X-LINKED. Identifiers: MedGen C3463992, MONDO:0010632, OMIM 308350. Disease mechanism: loss of function.

Allele frequency attached by ClinVar (database versions not stated): 1000 Genomes Project 30x 0.00016; 1000 Genomes Project 0.00020; TOPMed 0.00043; gnomAD 0.00044 and 0.00046.
gnomAD v4.1: 1,010 of 1,614,178 alleles (0.063%); highest among the groups gnomAD compares: Non-Finnish European, 0.078%; 2 homozygotes.

Submissions (6):

Labcorp Genetics (formerly Invitae), Labcorp
Classification: Likely benign for Developmental and epileptic encephalopathy, 1; Autosomal recessive spinocerebellar ataxia 12. Last evaluated: 2026-02-02. Review status: criteria provided, single submitter. Criteria: Invitae Variant Classification Sherloc (09022015). Collection method: clinical testing. Allele origin: germline.

CeGaT Center for Human Genetics Tuebingen
Classification: Likely benign. Last evaluated: 2026-01-01. Review status: criteria provided, single submitter. Criteria: CeGaT Center For Human Genetics Tuebingen Variant Classification Criteria Version 2. Collection method: clinical testing. Allele origin: germline. Affected: yes. Observed: 4 variant alleles.
Comment: WWOX: BP7

Women's Health and Genetics/Laboratory Corporation of America, LabCorp
Classification: Uncertain significance. Last evaluated: 2024-10-01. Review status: criteria provided, single submitter. Criteria: LabCorp Variant Classification Summary - May 2015. Collection method: clinical testing. Allele origin: germline.
Comment: Variant summary: WWOX c.1203C>T alters a conserved nucleotide resulting in a synonymous change. Several computational tools predict a significant impact on normal splicing: Two predict the variant creates a 5' donor site. One predict the variant no significant impact on splicing. However, these predictions have yet to be confirmed by functional studies. The variant allele was found at a frequency of 0.00063 in 1614178 control chromosomes in the gnomAD database (v4), including 2 homozygotes. This frequency is not significantly higher than estimated for a pathogenic variant in WWOX causing Early Infantile Epileptic Encephalopathy, Autosomal Recessive. To our knowledge, no occurrence of c.1203C>T in individuals affected with Early Infantile Epileptic Encephalopathy, Autosomal Recessive and no experimental evidence demonstrating its impact on protein function have been reported. ClinVar contains an entry for this variant (Variation ID: 383113). Based on the evidence outlined above, the variant was classified as VUS-possibly benign.

Blueprint Genetics
Classification: Likely benign. Last evaluated: 2024-09-25. Review status: criteria provided, single submitter. Criteria: ACMG Guidelines, 2015. Collection method: clinical testing. Allele origin: germline.

GeneDx
Classification: Likely benign. Last evaluated: 2019-10-30. Review status: criteria provided, single submitter. Criteria: GeneDx Variant Classification Process June 2021. Collection method: clinical testing. Allele origin: germline. Affected: yes.

Genetic Services Laboratory, University of Chicago
Classification: Likely benign. Last evaluated: 2019-05-15. Review status: criteria provided, single submitter. Criteria: ACMG Guidelines, 2015. Collection method: clinical testing. Allele origin: germline. Affected: no.

NM_016373.4(WWOX):c.1203C>T (p.Ser401=)

Genes: MAF (MAF bZIP transcription factor; minus strand), WWOX (WW domain containing oxidoreductase; plus strand). Cytogenetic location: 16q23.2.
Variant type: single nucleotide variant.
Coding change: c.1203C>T on transcript NM_016373.4 (MANE Select); coding-DNA position 1203, C replaced by T.
Protein change: p.Ser401=; no amino-acid change (serine 401 retained).
Molecular consequence: synonymous variant.
Genome position (GRCh38, 1-based): chr16:79,211,754, C>T. VCF-style: chr16-79211754-C-T. GRCh37 (hg19) VCF-style: chr16-79245651-C-T.
Other names: c.864C>T, p.Ser288= (NM_001291997.2).
Identifiers: ClinVar variation 383113 (VCV000383113.33), dbSNP rs201428060, ClinGen allele CA8183790.
Genomic context (GRCh38, chr16:79,211,754, plus strand): 5'-CTGCATGCCCTCACCAGAAGCTCAGAGCGAAGAGACGGCCCGGACCCTGTGGGCGCTCAG[C>T]GAGAGGCTGATCCAAGAACGGCTTGGCAGCCAGTCCGGCTAAGTGGAGCTCAGAGCGGAT-3'
Protein context (NP_057457.1, residues 391-411): EETARTLWAL[Ser401=]ERLIQERLGS